The following is an entry in ClinVar:

ClinVar aggregate classification (germline): Pathogenic. Review status: criteria provided, multiple submitters, no conflicts (2 of 4 stars). 3 submissions from 3 submitters: Pathogenic (2). 1 of the submissions does not count toward it. Last evaluated 2023-09-29.

Conditions:
Gastric cancer. Also called: Malignant tumor of stomach; Stomach cancer. Identifiers: MedGen C0024623, MeSH D013274, MONDO:0001056, OMIM 613659, HP:0012126.
Hereditary cancer-predisposing syndrome. Also called: Neoplastic Syndromes, Hereditary; Hereditary neoplastic syndrome; Hereditary Cancer Syndrome; Tumor predisposition. Identifiers: Orphanet 140162, MedGen C0027672, MeSH D009386, MONDO:0015356.
Familial adenomatous polyposis 1 (FAP1). Also called: FAMILIAL ADENOMATOUS POLYPOSIS 1, ATTENUATED; POLYPOSIS, ADENOMATOUS INTESTINAL. Identifiers: MedGen C2713442, MONDO:0021056, OMIM 175100. Disease mechanism: loss of function.

Submissions (3):

Ambry Genetics
Classification: Pathogenic for Hereditary cancer-predisposing syndrome. Last evaluated: 2023-09-29. Review status: criteria provided, single submitter. Criteria: Ambry Variant Classification Scheme 2023. Collection method: clinical testing. Allele origin: germline.
Comment: The p.E538* pathogenic mutation (also known as c.1612G>T), located in coding exon 12 of the APC gene, results from a G to T substitution at nucleotide position 1612. This changes the amino acid from a glutamic acid to a stop codon within coding exon 12. This alteration has been observed in at least one individual with a personal and/or family history that is consistent with APC-related disease (Ambry internal data). This variant is considered to be rare based on population cohorts in the Genome Aggregation Database (gnomAD). This alteration is expected to result in loss of function by premature protein truncation or nonsense-mediated mRNA decay. As such, this alteration is interpreted as a disease-causing mutation.

Myriad Genetics, Inc.
Classification: Pathogenic for Familial adenomatous polyposis 1. Last evaluated: 2023-05-02. Review status: criteria provided, single submitter. Criteria: Myriad Autosomal Dominant, Autosomal Recessive and X-Linked Classification Criteria (2023). Collection method: clinical testing. Allele origin: unknown.
Comment: This variant is considered pathogenic. This variant creates a termination codon and is predicted to result in premature protein truncation.

Laboratory for Genotyping Development, RIKEN
Classification: Pathogenic for Gastric cancer. Last evaluated: 2021-07-01. Review status: no assertion criteria provided. Collection method: research. Allele origin: germline. Not counted in ClinVar's aggregate classification.

Literature cited by the submitters: PubMed 36988593 (cited by Laboratory for Genotyping Development, RIKEN).

NM_000038.6(APC):c.1612G>T (p.Glu538Ter)

Gene: APC (APC regulator of Wnt signaling pathway; plus strand). Cytogenetic location: 5q22.2.
Variant type: single nucleotide variant.
Coding change: c.1612G>T on transcript NM_000038.6 (MANE Select); coding-DNA position 1612, G replaced by T.
Protein change: p.Glu538Ter; replaces glutamic acid 538 with a stop codon.
Molecular consequence: nonsense.
Genome position (GRCh38, 1-based): chr5:112,827,992, G>T. VCF-style: chr5-112827992-G-T. GRCh37 (hg19) VCF-style: chr5-112163689-G-T.
Other names: c.1612G>T, p.Glu538Ter (NM_001127510.3, NM_001354895.2, NM_001407450.1); c.1558G>T, p.Glu520Ter (NM_001127511.3); c.1666G>T, p.Glu556Ter (NM_001354896.2, NM_001407447.1, NM_001407448.1 and 1 more transcripts); c.1642G>T, p.Glu548Ter (NM_001354897.2); c.1537G>T, p.Glu513Ter (NM_001354898.2); c.1528G>T, p.Glu510Ter (NM_001354899.2); c.1489G>T, p.Glu497Ter (NM_001354900.2); c.1435G>T, p.Glu479Ter (NM_001354901.2, NM_001407453.1); and 12 more; short protein forms E154*, E255*, E378*, E409*, E412*, E437*, E447*, E455*.
Identifiers: ClinVar variation 1801523 (VCV001801523.3), dbSNP rs2149813944, ClinGen allele CA16024826.